The following is an entry in ClinVar:

ClinVar aggregate classification (germline): Uncertain significance (1 of 4 stars; one submission).

Conditions:
Inborn genetic diseases. Identifiers: MedGen C0950123, MeSH D030342.

Submission:

Ambry Genetics
Classification: Uncertain significance for Inborn genetic diseases. Last evaluated: 2024-12-21. Review status: criteria provided, single submitter. Criteria: Ambry Variant Classification Scheme 2023. Collection method: clinical testing. Allele origin: germline.
Comment: The p.H1453D variant (also known as c.4357C>G), located in coding exon 43 of the FANCA gene, results from a C to G substitution at nucleotide position 4357. The histidine at codon 1453 is replaced by aspartic acid, an amino acid with similar properties. This amino acid position is conserved. In addition, this alteration is predicted to be tolerated by in silico analysis. Based on the available evidence, the clinical significance of this variant remains unclear.

NM_000135.4(FANCA):c.4357C>G (p.His1453Asp)

Genes: FANCA (FA complementation group A; minus strand), ZNF276 (zinc finger protein 276; plus strand). Cytogenetic location: 16q24.3.
Variant type: single nucleotide variant.
Coding change: c.4357C>G on transcript NM_000135.4 (MANE Select); coding-DNA position 4357, C replaced by G.
Protein change: p.His1453Asp; replaces histidine 1453 with aspartic acid.
Molecular consequence: missense variant. On other transcripts: 3 prime UTR variant (3), non-coding transcript variant (4).
Genome position (GRCh38, 1-based): chr16:89,738,612, G>C on the plus strand (C>G on the coding strand, the complement: FANCA is on the minus strand). VCF-style: chr16-89738612-G-C. GRCh37 (hg19) VCF-style: chr16-89805020-G-C.
Other names: c.*86C>G (NM_001286167.3); c.*366G>C (NM_001113525.2, NM_152287.4); short protein forms H1453D.
Identifiers: ClinVar variation 3848046 (VCV003848046.1).